The following is an entry in ClinVar:

NM_025114.4(CEP290):c.3250C>T (p.Arg1084Trp)

Gene: CEP290 (centrosomal protein 290; minus strand). Cytogenetic location: 12q21.32.
Variant type: single nucleotide variant.
Coding change: c.3250C>T on transcript NM_025114.4 (MANE Select); coding-DNA position 3250, C replaced by T.
Protein change: p.Arg1084Trp; replaces arginine 1084 with tryptophan.
Molecular consequence: missense variant.
Genome position (GRCh38, 1-based): chr12:88,093,829, G>A on the plus strand (C>T on the coding strand, the complement: CEP290 is on the minus strand). VCF-style: chr12-88093829-G-A. GRCh37 (hg19) VCF-style: chr12-88487606-G-A.
Other names: short protein forms R1084W.
Identifiers: ClinVar variation 834317 (VCV000834317.9), dbSNP rs372918770, ClinGen allele CA6712188.

ClinVar aggregate classification (germline): Uncertain significance. Review status: criteria provided, multiple submitters, no conflicts (2 of 4 stars). 5 submissions from 5 submitters: Uncertain significance (4). 1 of the submissions does not count toward it. Last evaluated 2026-05-31.

Conditions:
CEP290-related disorder. Also called: CEP290-related disorders; CEP290-related condition. Identifiers: MedGen CN239314.
Leber congenital amaurosis (LCA). Also called: Leber's amaurosis. Identifiers: Orphanet 65, MedGen C0339527, MeSH D057130, MONDO:0018998.
Joubert syndrome. Also called: Familial aplasia of the vermis; JOUBERT-BOLTSHAUSER SYNDROME. Identifiers: Orphanet 475, MedGen C5979921, MONDO:0018772.
Nephronophthisis. Also called: Juvenile Nephronophthisis. Identifiers: Orphanet 655, MedGen C0687120, MONDO:0019005, HP:0000090.
Meckel-Gruber syndrome. Also called: DYSENCEPHALIA SPLANCHNOCYSTICA; GRUBER SYNDROME; Dysencephalia splachnocystica. Identifiers: Orphanet 564, MedGen C0265215, MONDO:0018921.
Bardet-Biedl syndrome 14 (BBS14). Identifiers: Orphanet 110, MedGen C2673874, MONDO:0014442, OMIM 615991.
Senior-Loken syndrome 6 (SLSN6). Identifiers: Orphanet 3156, MedGen C1857779, MONDO:0012433, OMIM 610189.
Meckel syndrome, type 4 (MKS4). Also called: MECKEL-GRUBER SYNDROME, TYPE 4. Identifiers: Orphanet 564, MedGen C1970161, MONDO:0012626, OMIM 611134.
Joubert syndrome 5 (JBTS5). Identifiers: Orphanet 2318, MedGen C1857780, MONDO:0012432, OMIM 610188.
Leber congenital amaurosis 10 (LCA10). Identifiers: Orphanet 65, MedGen C1857821, MONDO:0012723, OMIM 611755.

Allele frequency attached by ClinVar (database versions not stated): TOPMed 0.00002.
gnomAD v4.1: 29 of 1,612,508 alleles (0.0018%); highest among the groups gnomAD compares: Middle Eastern, 0.033%; no homozygotes.

Submissions (5):

PreventionGenetics, part of Exact Sciences
Classification: Uncertain significance for CEP290-related condition. Last evaluated: 2026-05-31. Review status: criteria provided, single submitter. Criteria: ACMG Guidelines, 2015. Collection method: clinical testing. Allele origin: germline.
Comment: The CEP290 c.3250C>T variant is predicted to result in the amino acid substitution p.Arg1084Trp. To our knowledge, this variant has not been reported in the literature. This variant is reported in 0.029% of alleles in individuals of Ashkenazi Jewish descent in gnomAD. At this time, the clinical significance of this variant is uncertain due to the absence of conclusive functional and genetic evidence.

Blueprint Genetics
Classification: Uncertain significance. Last evaluated: 2023-05-29. Review status: criteria provided, single submitter. Criteria: ACMG Guidelines, 2015. Collection method: clinical testing. Allele origin: germline.

Labcorp Genetics (formerly Invitae), Labcorp
Classification: Uncertain significance for Joubert syndrome; Meckel-Gruber syndrome; Nephronophthisis. Last evaluated: 2022-07-11. Review status: criteria provided, single submitter. Criteria: Invitae Variant Classification Sherloc (09022015). Collection method: clinical testing. Allele origin: germline.
Comment: This sequence change replaces arginine, which is basic and polar, with tryptophan, which is neutral and slightly polar, at codon 1084 of the CEP290 protein (p.Arg1084Trp). This variant is present in population databases (rs372918770, gnomAD 0.03%). This variant has not been reported in the literature in individuals affected with CEP290-related conditions. ClinVar contains an entry for this variant (Variation ID: 834317). Algorithms developed to predict the effect of missense changes on protein structure and function are either unavailable or do not agree on the potential impact of this missense change (SIFT: "Deleterious"; PolyPhen-2: "Probably Damaging"; Align-GVGD: "Class C0"). In summary, the available evidence is currently insufficient to determine the role of this variant in disease. Therefore, it has been classified as a Variant of Uncertain Significance.

Fulgent Genetics
Classification: Uncertain significance for Joubert syndrome 5; Senior-Loken syndrome 6; Meckel syndrome, type 4; Leber congenital amaurosis 10; Bardet-Biedl syndrome 14. Last evaluated: 2022-05-20. Review status: criteria provided, single submitter. Criteria: ACMG Guidelines, 2015. Collection method: clinical testing. Allele origin: unknown.

Natera, Inc.
Classification: Uncertain significance for Leber congenital amaurosis. Last evaluated: 2020-08-15. Review status: no assertion criteria provided. Collection method: clinical testing. Allele origin: germline. Not counted in ClinVar's aggregate classification.